The following is an entry in ClinVar:

ClinVar aggregate classification (germline): Pathogenic/Likely pathogenic. Review status: criteria provided, multiple submitters, no conflicts (2 of 4 stars). 4 submissions from 4 submitters: Pathogenic (2); Likely pathogenic (1). 1 of the submissions does not count toward it. Last evaluated 2026-09-20.

Conditions:
Short stature-optic atrophy-Pelger-Huët anomaly syndrome. Also called: Short stature, optic nerve atrophy, and Pelger-Huet anomaly; Short stature-optic atrophy-Pelger-HuC+t anomaly syndrome. Identifiers: Orphanet 391677, MedGen C3541319, MONDO:0013889, OMIM 614800.
Infantile liver failure syndrome 2 (ILFS2). Identifiers: MedGen C3809651, MONDO:0014659, OMIM 616483.

Allele frequency attached by ClinVar (database versions not stated): gnomAD exomes below 0.00001; TOPMed below 0.00001; ExAC 0.00001; gnomAD 0.00001.
gnomAD v4.1: 8 of 1,614,038 alleles (0.0005%); highest among the groups gnomAD compares: Middle Eastern, 0.016%; no homozygotes.

Submissions (4):

GeneDx
Classification: Pathogenic. Last evaluated: 2026-09-20. Review status: criteria provided, single submitter. Criteria: GeneDx Variant Classification Process June 2021. Collection method: clinical testing. Allele origin: germline.
Comment: Nonsense variant predicted to result in protein truncation or nonsense mediated decay in a gene for which loss of function is a known mechanism of disease; Not observed at significant frequency in large population cohorts (gnomAD); This variant is associated with the following publications: (PMID: 31964843, Qi2026[preprint], 40215727)

Labcorp Genetics (formerly Invitae), Labcorp
Classification: Pathogenic. Last evaluated: 2026-01-06. Review status: criteria provided, single submitter. Criteria: Invitae Variant Classification Sherloc (09022015). Collection method: clinical testing. Allele origin: germline.
Comment: This sequence change creates a premature translational stop signal (p.Arg1585*) in the NBAS gene. It is expected to result in an absent or disrupted protein product. Loss-of-function variants in NBAS are known to be pathogenic (PMID: 26073778, 26541327, 27789416, 28031453). This variant is present in population databases (rs765420811, gnomAD 0.0009%). This variant has not been reported in the literature in individuals affected with NBAS-related conditions. ClinVar contains an entry for this variant (Variation ID: 1723648). For these reasons, this variant has been classified as Pathogenic.

Fulgent Genetics
Classification: Likely pathogenic for Short stature-optic atrophy-Pelger-Huët anomaly syndrome; Infantile liver failure syndrome 2. Last evaluated: 2024-03-25. Review status: criteria provided, single submitter. Criteria: ACMG Guidelines, 2015. Collection method: clinical testing. Allele origin: germline.

Undiagnosed Diseases Network, NIH
Classification: Pathogenic for Short stature-optic atrophy-Pelger-Huët anomaly syndrome. Last evaluated: 2023-01-13. Review status: no assertion criteria provided. Collection method: clinical testing. Allele origin: unknown. Affected: yes. Observed: 1 variant allele, 1 compound heterozygote. Study: Undiagnosed Diseases Network (NIH), UDN. Not counted in ClinVar's aggregate classification.

Literature cited by the submitters: PubMed 26073778 (cited by Labcorp Genetics (formerly Invitae), Labcorp); PubMed 26541327 (cited by Labcorp Genetics (formerly Invitae), Labcorp); PubMed 27789416 (cited by Labcorp Genetics (formerly Invitae), Labcorp); PubMed 28031453 (cited by Labcorp Genetics (formerly Invitae), Labcorp).

NM_015909.4(NBAS):c.4753C>T (p.Arg1585Ter)

Gene: NBAS (NBAS subunit of NRZ tethering complex; minus strand). Cytogenetic location: 2p24.3.
Variant type: single nucleotide variant.
Coding change: c.4753C>T on transcript NM_015909.4 (MANE Select); coding-DNA position 4753, C replaced by T.
Protein change: p.Arg1585Ter; replaces arginine 1585 with a stop codon.
Molecular consequence: nonsense. On other transcripts: non-coding transcript variant (1).
Genome position (GRCh38, 1-based): chr2:15,308,260, G>A on the plus strand (C>T on the coding strand, the complement: NBAS is on the minus strand). VCF-style: chr2-15308260-G-A. GRCh37 (hg19) VCF-style: chr2-15448384-G-A.
Other names: p.R1585*; short protein forms R1585*.
Identifiers: ClinVar variation 1723648 (VCV001723648.10), dbSNP rs765420811, ClinGen allele CA1535521.
Genomic context (GRCh38, chr2:15,308,260, plus strand): 5'-AATCATGAAGACTCACCCTGTAAAGAGGATGGCACTTGTCCCTGAAACATGGGGCCAATC[G>A]GGCATAGATCTGGAGGCTATAGTAATACGCTGCCAGCTGGAGAGATAATGCAGAGGGGGA-3'